The following is an entry in ClinVar:

ClinVar aggregate classification (germline): Uncertain significance (1 of 4 stars; one submission).

Conditions:
Atrioventricular septal defect 5 (AVSD5). Identifiers: MedGen C3280939, MONDO:0013769, OMIM 614474.

Allele frequency attached by ClinVar (database versions not stated): gnomAD exomes below 0.00001 and 0.00002; TOPMed below 0.00001; gnomAD 0.00001.
gnomAD v4.1: 22 of 1,603,800 alleles (0.0014%); highest among the groups gnomAD compares: Non-Finnish European, 0.0019%; no homozygotes.

Submission:

Labcorp Genetics (formerly Invitae), Labcorp
Classification: Uncertain significance for Atrioventricular septal defect 5. Last evaluated: 2022-08-16. Review status: criteria provided, single submitter. Criteria: Invitae Variant Classification Sherloc (09022015). Collection method: clinical testing. Allele origin: germline.
Comment: In summary, the available evidence is currently insufficient to determine the role of this variant in disease. Therefore, it has been classified as a Variant of Uncertain Significance. Algorithms developed to predict the effect of missense changes on protein structure and function are either unavailable or do not agree on the potential impact of this missense change (SIFT: "Tolerated"; PolyPhen-2: "Possibly Damaging"; Align-GVGD: "Class C0"). ClinVar contains an entry for this variant (Variation ID: 968924). This variant has not been reported in the literature in individuals affected with GATA6-related conditions. The frequency data for this variant in the population databases is considered unreliable, as metrics indicate poor data quality at this position in the gnomAD database. This sequence change replaces leucine, which is neutral and non-polar, with proline, which is neutral and non-polar, at codon 128 of the GATA6 protein (p.Leu128Pro).

NM_005257.6(GATA6):c.383T>C (p.Leu128Pro)

Gene: GATA6 (GATA binding protein 6; plus strand). Cytogenetic location: 18q11.2.
Variant type: single nucleotide variant.
Coding change: c.383T>C on transcript NM_005257.6 (MANE Select); coding-DNA position 383, T replaced by C.
Protein change: p.Leu128Pro; replaces leucine 128 with proline.
Molecular consequence: missense variant.
Genome position (GRCh38, 1-based): chr18:22,171,527, T>C. VCF-style: chr18-22171527-T-C. GRCh37 (hg19) VCF-style: chr18-19751488-T-C.
Other names: short protein forms L128P.
Identifiers: ClinVar variation 968924 (VCV000968924.10), dbSNP rs1381339538, ClinGen allele CA401799545.